The following is an entry in ClinVar:

NM_014402.5(UQCRQ):c.10G>A (p.Glu4Lys)

Genes: UQCRQ (ubiquinol-cytochrome c reductase complex III subunit VII; plus strand), LOC126807509 (BRD4-independent group 4 enhancer GRCh37_chr5:132201613-132202812; plus strand). Cytogenetic location: 5q31.1.
Variant type: single nucleotide variant.
Coding change: c.10G>A on transcript NM_014402.5 (MANE Select); coding-DNA position 10, G replaced by A.
Protein change: p.Glu4Lys; replaces glutamic acid 4 with lysine.
Molecular consequence: missense variant.
Genome position (GRCh38, 1-based): chr5:132,866,891, G>A. VCF-style: chr5-132866891-G-A. GRCh37 (hg19) VCF-style: chr5-132202583-G-A.
Other names: short protein forms E4K.
Identifiers: ClinVar variation 215349 (VCV000215349.15), dbSNP rs137995316, ClinGen allele CA325421.

ClinVar aggregate classification (germline): Conflicting classifications of pathogenicity. Review status: criteria provided, conflicting classifications (1 of 4 stars). 5 submissions from 5 submitters: Uncertain significance (3); Likely benign (1). 1 of the submissions does not count toward it. Last evaluated 2026-01-19.

Conditions:
Mitochondrial complex III deficiency nuclear type 4. Identifiers: MedGen C3554607, MONDO:0014065, OMIM 615159.
UQCRQ-related disorder. Also called: UQCRQ-related condition.

Allele frequency attached by ClinVar (database versions not stated): gnomAD exomes 0.00020 and 0.00048; ExAC 0.00052; 1000 Genomes Project 30x 0.00078; 1000 Genomes Project 0.00100; ESP Exome Variant Server 0.00146; gnomAD 0.00181 and 0.00201; TOPMed 0.00212.
gnomAD v4.1: 582 of 1,613,848 alleles (0.036%); highest among the groups gnomAD compares: African/African-American, 0.69%; 3 homozygotes.

Submissions (5):

Labcorp Genetics (formerly Invitae), Labcorp
Classification: Likely benign. Last evaluated: 2026-01-19. Review status: criteria provided, single submitter. Criteria: Invitae Variant Classification Sherloc (09022015). Collection method: clinical testing. Allele origin: germline.

Fulgent Genetics
Classification: Uncertain significance for Mitochondrial complex III deficiency nuclear type 4. Last evaluated: 2018-10-31. Review status: criteria provided, single submitter. Criteria: ACMG Guidelines, 2015. Collection method: clinical testing. Allele origin: unknown.

Baylor Genetics
Classification: Uncertain significance for Mitochondrial complex III deficiency nuclear type 4. Last evaluated: 2018-09-14. Review status: criteria provided, single submitter. Criteria: ACMG Guidelines, 2015. Collection method: clinical testing. Allele origin: paternal. Affected: yes.
Comment: This variant was determined to be of uncertain significance according to ACMG Guidelines, 2015 [PMID:25741868].

Center for Pediatric Genomic Medicine, Children's Mercy Hospital and Clinics
Classification: Uncertain significance. Last evaluated: 2017-07-19. Review status: criteria provided, single submitter. Criteria: ACMG Guidelines, 2015. Collection method: clinical testing. Allele origin: germline.

PreventionGenetics, part of Exact Sciences
Classification: Likely benign for UQCRQ-related condition. Last evaluated: 2019-07-12. Review status: no assertion criteria provided. Collection method: clinical testing. Allele origin: germline. Not counted in ClinVar's aggregate classification.
Comment: This variant is classified as likely benign based on ACMG/AMP sequence variant interpretation guidelines (Richards et al. 2015 PMID: 25741868, with internal and published modifications).